The following is an entry in ClinVar:

NM_000431.4(MVK):c.565G>T (p.Ala189Ser)

Gene: MVK (mevalonate kinase; plus strand). Cytogenetic location: 12q24.11.
Variant type: single nucleotide variant.
Coding change: c.565G>T on transcript NM_000431.4 (MANE Select); coding-DNA position 565, G replaced by T.
Protein change: p.Ala189Ser; replaces alanine 189 with serine.
Molecular consequence: missense variant.
Genome position (GRCh38, 1-based): chr12:109,586,059, G>T. VCF-style: chr12-109586059-G-T. GRCh37 (hg19) VCF-style: chr12-110023864-G-T.
Other names: c.565G>T, p.Ala189Ser (NM_001114185.3); c.409G>T, p.Ala137Ser (NM_001301182.2); c.565G>T (NM_000431.2); short protein forms A137S, A189S.
Identifiers: ClinVar variation 1016754 (VCV001016754.13), dbSNP rs1403009347, ClinGen allele CA386647571.

ClinVar aggregate classification (germline): Uncertain significance. Review status: criteria provided, multiple submitters, no conflicts (2 of 4 stars). 4 submissions from 4 submitters: Uncertain significance (4). Last evaluated 2023-10-20.

Conditions:
Autoinflammatory syndrome. Identifiers: Orphanet 93665, MedGen C3890737, MONDO:0019751.
Porokeratosis 3, disseminated superficial actinic type (POROK3). Also called: POROKERATOSIS 3, MULTIPLE TYPES; POROKERATOSIS 3, MIBELLI TYPE; POROKERATOSIS, DISSEMINATED SUPERFICIAL ACTINIC, 1. Identifiers: MedGen C1867981, MONDO:0008293, OMIM 175900.
Hyperimmunoglobulin D with periodic fever (HIDS). Also called: Hyperimmunoglobulinemia D with periodic fever; HYPERIMMUNOGLOBULINEMIA D AND PERIODIC FEVER SYNDROME; Hyperimmunoglobulinemia D. Identifiers: Orphanet 343, MedGen C0398691, MONDO:0009849, OMIM 260920.
Mevalonic aciduria (MEVA). Identifiers: Orphanet 29, MedGen C1959626, MONDO:0012481, OMIM 610377.

Allele frequency attached by ClinVar (database versions not stated): gnomAD exomes below 0.00001 and 0.00001.
gnomAD v4.1: 2 of 1,614,202 alleles (0.00012%); highest among the groups gnomAD compares: Admixed American, 0.0033%; no homozygotes.

Submissions (4):

GeneDx
Classification: Uncertain significance. Last evaluated: 2023-10-20. Review status: criteria provided, single submitter. Criteria: GeneDx Variant Classification Process June 2021. Collection method: clinical testing. Allele origin: germline. Affected: yes.
Comment: Not observed at significant frequency in large population cohorts (gnomAD); In silico analysis supports that this missense variant does not alter protein structure/function; Has not been previously published as pathogenic or benign to our knowledge

Labcorp Genetics (formerly Invitae), Labcorp
Classification: Uncertain significance for Mevalonic aciduria; Hyperimmunoglobulin D with periodic fever; Porokeratosis 3, disseminated superficial actinic type. Last evaluated: 2023-07-07. Review status: criteria provided, single submitter. Criteria: Invitae Variant Classification Sherloc (09022015). Collection method: clinical testing. Allele origin: germline.
Comment: Advanced modeling of protein sequence and biophysical properties (such as structural, functional, and spatial information, amino acid conservation, physicochemical variation, residue mobility, and thermodynamic stability) performed at Invitae indicates that this missense variant is not expected to disrupt MVK protein function. This variant disrupts the p.Ala189 amino acid residue in MVK. Other variant(s) that disrupt this residue have been determined to be pathogenic (PMID: 30597534). This suggests that this residue is clinically significant, and that variants that disrupt this residue are likely to be disease-causing. In summary, the available evidence is currently insufficient to determine the role of this variant in disease. Therefore, it has been classified as a Variant of Uncertain Significance. This sequence change replaces alanine, which is neutral and non-polar, with serine, which is neutral and polar, at codon 189 of the MVK protein (p.Ala189Ser). This variant is present in population databases (no rsID available, gnomAD 0.003%). This variant has not been reported in the literature in individuals affected with MVK-related conditions. ClinVar contains an entry for this variant (Variation ID: 1016754).

Fulgent Genetics
Classification: Uncertain significance for Porokeratosis 3, disseminated superficial actinic type; Hyperimmunoglobulin D with periodic fever; Mevalonic aciduria. Last evaluated: 2021-12-26. Review status: criteria provided, single submitter. Criteria: ACMG Guidelines, 2015. Collection method: clinical testing. Allele origin: unknown.

Genome Diagnostics Laboratory, The Hospital for Sick Children
Classification: Uncertain significance for Autoinflammatory syndrome. Last evaluated: 2021-04-27. Review status: criteria provided, single submitter. Criteria: ACMG Guidelines, 2015. Collection method: clinical testing. Allele origin: germline. Affected: yes.

Literature cited by the submitters: PubMed 30597534 (cited by Labcorp Genetics (formerly Invitae), Labcorp).